The following is an entry in ClinVar:

ClinVar aggregate classification (germline): Uncertain significance. Review status: criteria provided, multiple submitters, no conflicts (2 of 4 stars). 4 submissions from 4 submitters: Uncertain significance (4). Last evaluated 2025-09-11.

Conditions:
Leber congenital amaurosis 1 (LCA1). Also called: Congenital absence of the rods and cones; Leber's congenital tapetoretinal degeneration; Leber's congenital tapetoretinal dysplasia; RETINAL BLINDNESS, CONGENITAL; AMAUROSIS CONGENITA OF LEBER I. Identifiers: Orphanet 65, MedGen C2931258, MONDO:0008764, OMIM 204000.
Cone-rod dystrophy 6 (CORD6). Also called: Cone dystrophy progressive; RETINAL CONE DYSTROPHY 2. Identifiers: Orphanet 1872, MedGen C1866293, MONDO:0011143, OMIM 601777.
Inborn genetic diseases. Identifiers: MedGen C0950123, MeSH D030342.

Allele frequency attached by ClinVar (database versions not stated): ExAC 0.00003; gnomAD 0.00007 and 0.00008; ESP Exome Variant Server 0.00008; TOPMed 0.00011.
gnomAD v4.1: 21 of 1,612,622 alleles (0.0013%); highest among the groups gnomAD compares: African/African-American, 0.027%; no homozygotes.

Submissions (4):

Ambry Genetics
Classification: Uncertain significance for Inborn genetic diseases. Last evaluated: 2025-09-11. Review status: criteria provided, single submitter. Criteria: Ambry Variant Classification Scheme 2023. Collection method: clinical testing. Allele origin: germline.

Blueprint Genetics
Classification: Uncertain significance. Last evaluated: 2024-10-18. Review status: criteria provided, single submitter. Criteria: ACMG Guidelines, 2015. Collection method: clinical testing. Allele origin: germline.

Labcorp Genetics (formerly Invitae), Labcorp
Classification: Uncertain significance for Leber congenital amaurosis 1; Cone-rod dystrophy 6. Last evaluated: 2024-04-25. Review status: criteria provided, single submitter. Criteria: Invitae Variant Classification Sherloc (09022015). Collection method: clinical testing. Allele origin: germline.
Comment: This sequence change replaces alanine, which is neutral and non-polar, with aspartic acid, which is acidic and polar, at codon 296 of the GUCY2D protein (p.Ala296Asp). This variant is present in population databases (rs374679518, gnomAD 0.03%). This variant has not been reported in the literature in individuals affected with GUCY2D-related conditions. ClinVar contains an entry for this variant (Variation ID: 1362896). Advanced modeling of protein sequence and biophysical properties (such as structural, functional, and spatial information, amino acid conservation, physicochemical variation, residue mobility, and thermodynamic stability) performed at Invitae indicates that this missense variant is not expected to disrupt GUCY2D protein function with a negative predictive value of 80%. In summary, the available evidence is currently insufficient to determine the role of this variant in disease. Therefore, it has been classified as a Variant of Uncertain Significance.

Breakthrough Genomics
Classification: Uncertain significance. Review status: criteria provided, single submitter. Criteria: ACMG Guidelines, 2015. Collection method: not provided. Allele origin: germline. Inheritance: Autosomal recessive inheritance. Affected: yes.

NM_000180.4(GUCY2D):c.887C>A (p.Ala296Asp)

Gene: GUCY2D (guanylate cyclase 2D, retinal; plus strand). Cytogenetic location: 17p13.1.
Variant type: single nucleotide variant.
Coding change: c.887C>A on transcript NM_000180.4 (MANE Select); coding-DNA position 887, C replaced by A.
Protein change: p.Ala296Asp; replaces alanine 296 with aspartic acid.
Molecular consequence: missense variant.
Genome position (GRCh38, 1-based): chr17:8,004,017, C>A. VCF-style: chr17-8004017-C-A. GRCh37 (hg19) VCF-style: chr17-7907335-C-A.
Other names: c.887C>A (NM_000180.3); short protein forms A296D.
Identifiers: ClinVar variation 1362896 (VCV001362896.7), dbSNP rs374679518, ClinGen allele CA8365590.